The following is an entry in ClinVar:

ClinVar aggregate classification (germline): Conflicting classifications of pathogenicity. Review status: criteria provided, conflicting classifications (1 of 4 stars). 3 submissions from 3 submitters: Uncertain significance (2); Likely benign (1). Last evaluated 2025-12-08.

Conditions:
Inborn genetic diseases. Identifiers: MedGen C0950123, MeSH D030342.

gnomAD v4.1: 1 of 1,613,576 alleles (0.000062%); highest among the groups gnomAD compares: Non-Finnish European, 0.000085%; no homozygotes.

Submissions (3):

Ambry Genetics
Classification: Uncertain significance for Inborn genetic diseases. Last evaluated: 2025-12-08. Review status: criteria provided, single submitter. Criteria: Ambry Variant Classification Scheme 2023. Collection method: clinical testing. Allele origin: germline.

Labcorp Genetics (formerly Invitae), Labcorp
Classification: Likely benign. Last evaluated: 2024-05-12. Review status: criteria provided, single submitter. Criteria: Invitae Variant Classification Sherloc (09022015). Collection method: clinical testing. Allele origin: germline.

Greenwood Genetic Center Diagnostic Laboratories, Greenwood Genetic Center
Classification: Uncertain significance. Last evaluated: 2022-01-25. Review status: criteria provided, single submitter. Criteria: ACMG Guidelines, 2015. Collection method: clinical testing. Allele origin: germline. Affected: yes.
Comment: PM2

NM_182931.3(KMT2E):c.5153C>T (p.Pro1718Leu)

Gene: KMT2E (lysine methyltransferase 2E (inactive); plus strand). Cytogenetic location: 7q22.3.
Variant type: single nucleotide variant.
Coding change: c.5153C>T on transcript NM_182931.3 (MANE Select); coding-DNA position 5153, C replaced by T.
Protein change: p.Pro1718Leu; replaces proline 1718 with leucine.
Molecular consequence: missense variant.
Genome position (GRCh38, 1-based): chr7:105,112,909, C>T. VCF-style: chr7-105112909-C-T. GRCh37 (hg19) VCF-style: chr7-104753356-C-T.
Other names: c.5153C>T, p.Pro1718Leu (NM_018682.4); c.5027C>T, p.Pro1676Leu (NM_001410908.1); c.5153C>T (NM_182931.2); short protein forms P1718L, P1676L.
Identifiers: ClinVar variation 1676553 (VCV001676553.7), dbSNP rs1799386566, ClinGen allele CA368794387.